The following is an entry in ClinVar:

NM_013382.7(POMT2):c.533C>A (p.Ala178Asp)

Gene: POMT2 (protein O-mannosyltransferase 2; minus strand). Cytogenetic location: 14q24.3.
Variant type: single nucleotide variant.
Coding change: c.533C>A on transcript NM_013382.7 (MANE Select); coding-DNA position 533, C replaced by A.
Protein change: p.Ala178Asp; replaces alanine 178 with aspartic acid.
Molecular consequence: missense variant.
Genome position (GRCh38, 1-based): chr14:77,304,706, G>T on the plus strand (C>A on the coding strand, the complement: POMT2 is on the minus strand). VCF-style: chr14-77304706-G-T. GRCh37 (hg19) VCF-style: chr14-77771049-G-T.
Other names: short protein forms A178D.
Identifiers: ClinVar variation 2185682 (VCV002185682.1), dbSNP rs1446019788, ClinGen allele CA390520698.

ClinVar aggregate classification (germline): Uncertain significance (1 of 4 stars; one submission).

Conditions:
Muscular dystrophy-dystroglycanopathy (congenital with impaired intellectual development), type B, 2. Also called: Muscular dystrophy-dystroglycanopathy (congenital with intellectual disability), type B2; MUSCULAR DYSTROPHY, CONGENITAL, POMT2-RELATED. Identifiers: MedGen C3150416, MONDO:0013160, OMIM 613156.
Autosomal recessive limb-girdle muscular dystrophy type 2N. Also called: MUSCULAR DYSTROPHY-DYSTROGLYCANOPATHY, LIMB-GIRDLE, POMT2-RELATED; Muscular dystrophy-dystroglycanopathy (limb-girdle), type C, 2. Identifiers: Orphanet 206559, MedGen C3150418, MONDO:0013162, OMIM 613158.
Muscular dystrophy-dystroglycanopathy (congenital with brain and eye anomalies), type A2. Also called: MUSCULAR DYSTROPHY-DYSTROGLYCANOPATHY (CONGENITAL WITH BRAIN AND EYE ANOMALIES), TYPE A, 2; WALKER-WARBURG SYNDROME OR MUSCLE-EYE-BRAIN DISEASE, POMT2-RELATED. Identifiers: Orphanet 588, Orphanet 899, MedGen C3150411, MONDO:0013154, OMIM 613150.

Allele frequency attached by ClinVar (database versions not stated): gnomAD exomes below 0.00001.
gnomAD v4.1: 1 of 1,589,922 alleles (0.000063%); highest among the groups gnomAD compares: Admixed American, 0.0018%; no homozygotes.

Submission:

Labcorp Genetics (formerly Invitae), Labcorp
Classification: Uncertain significance for Muscular dystrophy-dystroglycanopathy (congenital with impaired intellectual development), type B, 2; Muscular dystrophy-dystroglycanopathy (congenital with brain and eye anomalies), type A2; Autosomal recessive limb-girdle muscular dystrophy type 2N. Last evaluated: 2022-03-19. Review status: criteria provided, single submitter. Criteria: Invitae Variant Classification Sherloc (09022015). Collection method: clinical testing. Allele origin: germline.
Comment: This sequence change replaces alanine, which is neutral and non-polar, with aspartic acid, which is acidic and polar, at codon 178 of the POMT2 protein (p.Ala178Asp). The frequency data for this variant in the population databases is considered unreliable, as metrics indicate poor data quality at this position in the gnomAD database. This variant has not been reported in the literature in individuals affected with POMT2-related conditions. Algorithms developed to predict the effect of missense changes on protein structure and function are either unavailable or do not agree on the potential impact of this missense change (SIFT: "Tolerated"; PolyPhen-2: "Possibly Damaging"; Align-GVGD: "Class C0"). In summary, the available evidence is currently insufficient to determine the role of this variant in disease. Therefore, it has been classified as a Variant of Uncertain Significance.